The following is an entry in ClinVar:

NM_001005273.3(CHD3):c.4073-1G>A

Gene: CHD3 (chromodomain helicase DNA binding protein 3; plus strand). Cytogenetic location: 17p13.1.
Variant type: single nucleotide variant.
Coding change: c.4073-1G>A on transcript NM_001005273.3 (MANE Select); the canonical splice acceptor site of the intron before coding-DNA position 4073, G replaced by A.
Molecular consequence: splice acceptor variant.
Genome position (GRCh38, 1-based): chr17:7,905,099, G>A. VCF-style: chr17-7905099-G-A. GRCh37 (hg19) VCF-style: chr17-7808417-G-A.
Other names: NC_000017.10:g.7808417G>A; c.4250-1G>A (NM_001005271.3); c.4073-1G>A (NM_005852.4).
Identifiers: ClinVar variation 2230771 (VCV002230771.3), dbSNP rs1970772602, ClinGen allele CA397944734.

ClinVar aggregate classification (germline): Likely pathogenic (1 of 4 stars; one submission).

Conditions:
Inborn genetic diseases. Identifiers: MedGen C0950123, MeSH D030342.

Submissions (2):

Ambry Genetics
Classification: Likely pathogenic for Inborn genetic diseases. Last evaluated: 2021-12-17. Review status: criteria provided, single submitter. Criteria: Ambry Variant Classification Scheme 2023. Collection method: clinical testing. Allele origin: germline.
Comment: The c.4250-1G>A intronic variant results from a G to A substitution one nucleotide before coding exon 26 of the CHD3 gene. Alterations that disrupt the canonical splice site are expected to result in aberrant splicing. The resulting transcript is predicted to be in-frame and is not expected to trigger nonsense-mediated mRNA decay; however, direct evidence is unavailable. The exact functional effect of the altered amino acid sequence is unknown; however, the impacted region is critical for protein function (Ambry internal data). This variant was not reported in population-based cohorts in the Genome Aggregation Database (gnomAD). This nucleotide position is highly conserved in available vertebrate species. In silico splice site analysis predicts that this alteration will weaken the native splice acceptor site. Based on the available evidence, this alteration is classified as likely pathogenic.

Dr. Peter K. Rogan Lab, Western University
No classification provided (evidence only). Condition: Melanoma. Review status: no classification provided. Collection method: in vitro. Allele origin: not applicable. Functional consequence: skipped exon, retained intron. Not counted in ClinVar's aggregate classification.